The following is an entry in ClinVar:

ClinVar aggregate classification (germline): Uncertain significance (1 of 4 stars; one submission).

Conditions:
Cryopyrin associated periodic syndrome (CAPS). Identifiers: Orphanet 208650, MedGen C2316212, MONDO:0016168.

Allele frequency attached by ClinVar (database versions not stated): gnomAD exomes below 0.00001.
gnomAD v4.1: 5 of 1,614,058 alleles (0.00031%); highest among the groups gnomAD compares: South Asian, 0.0055%; no homozygotes.

Submission:

Labcorp Genetics (formerly Invitae), Labcorp
Classification: Uncertain significance for Cryopyrin associated periodic syndrome. Last evaluated: 2025-12-01. Review status: criteria provided, single submitter. Criteria: Invitae Variant Classification Sherloc (09022015). Collection method: clinical testing. Allele origin: germline.
Comment: This sequence change replaces glutamic acid, which is acidic and polar, with lysine, which is basic and polar, at codon 206 of the NLRP3 protein (p.Glu206Lys). This variant is not present in population databases (gnomAD no frequency). This variant has not been reported in the literature in individuals affected with NLRP3-related conditions. ClinVar contains an entry for this variant (Variation ID: 576611). Invitae Evidence Modeling of protein sequence and biophysical properties (such as structural, functional, and spatial information, amino acid conservation, physicochemical variation, residue mobility, and thermodynamic stability) has been performed for this missense variant. However, the output from this modeling did not meet the statistical confidence thresholds required to predict the impact of this variant on NLRP3 protein function. In summary, the available evidence is currently insufficient to determine the role of this variant in disease. Therefore, it has been classified as a Variant of Uncertain Significance.

NM_001243133.2(NLRP3):c.610G>A (p.Glu204Lys)

Gene: NLRP3 (NLR family pyrin domain containing 3; plus strand). Cytogenetic location: 1q44.
Variant type: single nucleotide variant.
Coding change: c.610G>A on transcript NM_001243133.2 (MANE Select); coding-DNA position 610, G replaced by A.
Protein change: p.Glu204Lys; replaces glutamic acid 204 with lysine.
Molecular consequence: missense variant.
Genome position (GRCh38, 1-based): chr1:247,424,059, G>A. VCF-style: chr1-247424059-G-A. GRCh37 (hg19) VCF-style: chr1-247587361-G-A.
Other names: c.610G>A, p.Glu204Lys (NM_001079821.3, NM_001127461.3, NM_001127462.3 and 1 more transcripts); c.616G>A, p.Glu206Lys (NM_004895.5); short protein forms E206K, E204K.
Identifiers: ClinVar variation 576611 (VCV000576611.5), dbSNP rs1558189985, ClinGen allele CA345555037.